The following is an entry in ClinVar:

NM_002474.3(MYH11):c.4855AAG[2] (p.Lys1621del)

Genes: MYH11 (myosin heavy chain 11; minus strand), NDE1 (nudE neurodevelopment protein 1; plus strand). Cytogenetic location: 16p13.11.
Variant type: Microsatellite.
Coding change: c.4855AAG[2] on transcript NM_002474.3 (MANE Select); two copies in a row of the 3-base unit AAG starting at c.4855; the reference has three copies in a row; one copy, 3 bases deleted; also written c.4861_4863del.
Protein change: p.Lys1621del; deletes lysine 1621.
Molecular consequence: inframe deletion. On other transcripts: intron variant (2).
Genome position (GRCh38, 1-based): chr16:15,720,241-15,720,243, CTT deleted on the plus strand (AAG on the coding strand, the reverse complement: MYH11 is on the minus strand); deleting any 3 consecutive bases within chr16:15,720,241-15,720,249 gives the same sequence; the position shown is the placement nearest the transcript's 3' end. VCF-style (leftmost placement, unchanged base first): chr16-15720240-GCTT-G. GRCh37 (hg19) VCF-style: chr16-15814097-GCTT-G.
Other names: p.Lys1628del; c.4876AAG[2], p.Lys1628del (NM_001040113.2, NM_001040114.2); c.4855AAG[2], p.Lys1621del (NM_022844.3); c.948-3950CTT[2] (NM_001143979.2, NM_017668.3); c.4861_4863del (NM_002474.2); c.4861_4863delAAG (NM_002474.2); c.4882_4884del (NM_001040113.1, NM_001040113.2); short protein forms K1628del, K1621del.
Identifiers: ClinVar variation 580843 (VCV000580843.18), dbSNP rs755547393, ClinGen allele CA7921522.
Genomic context (GRCh38, chr16:15,720,240, plus strand): 5'-CCTCCCTCCCCTTGATGGCAGAGTCGGCCTGAAGCTCCAGGTCTTTCAGGTCCCCTTCCA[GCTT>G]CTTCTTTGCTGCAGCTGCCAGGGCACGTTGCTTTCGCTCGTCTTCCAGTTCCGTCTCATA-3'

ClinVar aggregate classification (germline): Conflicting classifications of pathogenicity. Review status: criteria provided, conflicting classifications (1 of 4 stars). 8 submissions from 8 submitters: Uncertain significance (7); Likely benign (1). Last evaluated 2026-06-11.

Conditions:
MYH11-related disorder. Also called: MYH11-related condition.
Aortic aneurysm, familial thoracic 4 (AAT4). Also called: AORTIC ANEURYSM/AORTIC DISSECTION AND PATENT DUCTUS ARTERIOSUS. Identifiers: MedGen C1851504, MONDO:0007568, OMIM 132900.
Familial thoracic aortic aneurysm and aortic dissection (TAAD). Also called: Thoracic aortic aneurysms and dissections. Identifiers: Orphanet 91387, MedGen C4707243, MONDO:0019625.

Submissions (8):

GeneDx
Classification: Uncertain significance. Last evaluated: 2026-06-11. Review status: criteria provided, single submitter. Criteria: GeneDx Variant Classification Process June 2021. Collection method: clinical testing. Allele origin: germline.
Comment: Identified in a patient with thoracic aortic aneurysm and dissection (TAAD) in published literature who also harbored a variant in the FBN1 gene (PMID: 34498425); In-frame deletion of 1 amino acid in a non-repeat region; In silico analysis supports a deleterious effect on protein structure/function; Also known as K1628del; This variant is associated with the following publications: (PMID: 34498425)

Labcorp Genetics (formerly Invitae), Labcorp
Classification: Uncertain significance for Aortic aneurysm, familial thoracic 4. Last evaluated: 2026-01-24. Review status: criteria provided, single submitter. Criteria: Invitae Variant Classification Sherloc (09022015). Collection method: clinical testing. Allele origin: germline.
Comment: This variant, c.4882_4884del, results in the deletion of 1 amino acid(s) of the MYH11 protein (p.Lys1628del), but otherwise preserves the integrity of the reading frame. This variant is present in population databases (rs755547393, gnomAD 0.02%). This variant has not been reported in the literature in individuals affected with MYH11-related conditions. ClinVar contains an entry for this variant (Variation ID: 580843). Experimental studies and prediction algorithms are not available or were not evaluated, and the functional significance of this variant is currently unknown. In summary, the available evidence is currently insufficient to determine the role of this variant in disease. Therefore, it has been classified as a Variant of Uncertain Significance.

Centre of Medical Genetics, University of Antwerp
Classification: Uncertain significance for Familial thoracic aortic aneurysm and aortic dissection. Last evaluated: 2024-09-06. Review status: criteria provided, single submitter. Criteria: ACMG Guidelines, 2015. Collection method: clinical testing. Allele origin: germline. Affected: yes.

Ambry Genetics
Classification: Uncertain significance for Familial thoracic aortic aneurysm and aortic dissection. Last evaluated: 2024-03-27. Review status: criteria provided, single submitter. Criteria: Ambry Variant Classification Scheme 2023. Collection method: clinical testing. Allele origin: germline.
Comment: The c.4861_4863delAAG variant (also known as p.K1621del) is located in coding exon 33 of the MYH11 gene. This variant results from an in-frame AAG deletion at nucleotide positions 4861 to 4863. This results in the in-frame deletion of a lysine at codon 1621. This amino acid position is highly conserved in available vertebrate species. In addition, this alteration is predicted to be deleterious by in silico analysis (Choi Y et al. PLoS ONE. 2012; 7(10):e46688). Based on the available evidence, the clinical significance of this alteration remains unclear.

Color Diagnostics, LLC DBA Color Health
Classification: Uncertain significance for Familial thoracic aortic aneurysm and aortic dissection. Last evaluated: 2024-03-05. Review status: criteria provided, single submitter. Criteria: ACMG Guidelines, 2015. Collection method: clinical testing. Allele origin: germline.
Comment: This variant causes an in-frame deletion of one amino acid at exon 35 of the MYH11 protein. To our knowledge, functional studies have not been reported for this variant. This variant has not been reported in individuals affected with MYH11-related disorders in the literature. This variant has been identified in 17/282850 chromosomes in the general population by the Genome Aggregation Database (gnomAD). The available evidence is insufficient to determine the role of this variant in disease conclusively. Therefore, this variant is classified as a Variant of Uncertain Significance.

Mayo Clinic Laboratories, Mayo Clinic
Classification: Uncertain significance. Last evaluated: 2023-11-16. Review status: criteria provided, single submitter. Criteria: ACMG Guidelines, 2015. Collection method: clinical testing. Allele origin: germline. Observed: 1 variant allele.
Comment: BP3

PreventionGenetics, part of Exact Sciences
Classification: Uncertain significance for MYH11-related condition. Last evaluated: 2023-07-21. Review status: criteria provided, single submitter. Criteria: ACMG Guidelines, 2015. Collection method: clinical testing. Allele origin: germline.
Comment: The MYH11 c.4882_4884delAAG variant is predicted to result in an in-frame deletion (p.Lys1628del). To our knowledge, this variant has not been reported in the literature. This variant is reported in 0.012% of alleles in individuals of European (Finnish) descent in gnomAD. At this time, the clinical significance of this variant is uncertain due to the absence of conclusive functional and genetic evidence.

Women's Health and Genetics/Laboratory Corporation of America, LabCorp
Classification: Likely benign. Last evaluated: 2019-06-17. Review status: criteria provided, single submitter. Criteria: LabCorp Variant Classification Summary - May 2015. Collection method: clinical testing. Allele origin: germline.
Comment: Variant summary: MYH11 c.4882_4884delAAG (p.Lys1628del) results in an in-frame deletion that is predicted to remove 1 amino acid from the encoded protein. The variant allele was found at a frequency of 5.2e-05 in 251476 control chromosomes (gnomAD). The observed variant frequency is approximately 41 fold of the estimated maximal expected allele frequency for a pathogenic variant in MYH11 causing Aortopathy phenotype (1.3e-06), strongly suggesting that the variant is benign. To our knowledge, no occurrence of c.4882_4884delAAG in individuals affected with Aortopathy and no experimental evidence demonstrating its impact on protein function have been reported. A ClinVar submitter (evaluation after 2014) cites the variant as uncertain significance. Based on the evidence outlined above, the variant was classified as likely benign.